The following is an entry in ClinVar:

NM_012309.5(SHANK2):c.913-1G>A

Gene: SHANK2 (SH3 and multiple ankyrin repeat domains 2; minus strand). Cytogenetic location: 11q13.4.
Variant type: single nucleotide variant.
Coding change: c.913-1G>A on transcript NM_012309.5 (MANE Select); the canonical splice acceptor site of the intron before coding-DNA position 913, G replaced by A.
Molecular consequence: splice acceptor variant.
Genome position (GRCh38, 1-based): chr11:71,075,276, C>T on the plus strand (G>A on the coding strand, the complement: SHANK2 is on the minus strand). VCF-style: chr11-71075276-C-T.
Identifiers: ClinVar variation 3901894 (VCV003901894.1).
Genomic context (GRCh38, chr11:71,075,276, plus strand): 5'-CATGTCTGCCCCGTAGAACAGCAGGTGCTCCAGGTGCTGCACGTGCCCGTACCTGCAGGC[C>T]TGAAACACAGAACCCAGGCTGTGAATCAGGAACCCTCCGCCACGACAGCCGCATGCACAC-3'

ClinVar aggregate classification (germline): Uncertain significance (1 of 4 stars; one submission).

Conditions:
Autism, susceptibility to, 17. Also called: Autism susceptibility 17. Identifiers: MedGen C3150693, MONDO:0013265, OMIM 613436.

Submission:

Clinical Genomics Laboratory, Stanford Medicine
Classification: Uncertain significance for Autism, susceptibility to, 17. Last evaluated: 2023-09-26. Review status: criteria provided, single submitter. Criteria: ACMG Guidelines, 2015. Collection method: clinical testing. Allele origin: maternal. Observed: 2 variant alleles, 2 heterozygotes. Clinical features observed: Autism (HP:0000717), Intellectual disability (HP:0001249), Attention deficit hyperactivity disorder (HP:0007018), low creatine peak on brain MRI.
Comment: The c.913-1G>A variant in the SHANK2 gene has not been previously reported in association with disease. This variant was absent from large population databases, including the Genome Aggregation Database. This variant alters the canonical acceptor splice site in intron 8, which is predicted to result in abnormal gene splicing and loss of normal protein function through either protein truncation or nonsense-mediated decay. Loss-of-function variants in SHANK2 have been reported in association with disease (Caumes et al., 2020). These data were assessed using the ACMG/AMP variant interpretation guidelines. In summary, the significance of the c.913-1G>A variant is uncertain. Additional information is needed to resolve the significance of this variant. [ACMG evidence codes used: PVS1_Moderate; PM2]